The following is an entry in ClinVar:

NM_000350.3(ABCA4):c.4205dup (p.Leu1403fs)

Gene: ABCA4 (ATP binding cassette subfamily A member 4; minus strand). Cytogenetic location: 1p22.1.
Variant type: Duplication.
Coding change: c.4205dup on transcript NM_000350.3 (MANE Select); coding-DNA position 4205, one base duplicated (C; older notation c.4205dupC).
Protein change: p.Leu1403fs; shifts the reading frame from leucine 1403.
Molecular consequence: frameshift variant.
Genome position (GRCh38, 1-based): chr1:94,031,044, G duplicated on the plus strand (C on the coding strand, the reverse complement: ABCA4 is on the minus strand). VCF-style (leftmost placement, unchanged base first): chr1-94031043-A-AG. GRCh37 (hg19) VCF-style: chr1-94496599-A-AG.
Other names: c.3983dup, p.Leu1329Phefs (NM_001425324.1); short protein forms L1403fs.
Identifiers: ClinVar variation 1396459 (VCV001396459.6), dbSNP rs2101035787, ClinGen allele CA2573131953.

ClinVar aggregate classification (germline): Pathogenic (1 of 4 stars; one submission).

Allele frequency attached by ClinVar (database versions not stated): gnomAD exomes below 0.00001.

Submission:

Labcorp Genetics (formerly Invitae), Labcorp
Classification: Pathogenic. Last evaluated: 2022-07-26. Review status: criteria provided, single submitter. Criteria: Invitae Variant Classification Sherloc (09022015). Collection method: clinical testing. Allele origin: germline.
Comment: This sequence change creates a premature translational stop signal (p.Leu1403Phefs*19) in the ABCA4 gene. It is expected to result in an absent or disrupted protein product. Loss-of-function variants in ABCA4 are known to be pathogenic (PMID: 10958761, 24938718, 25312043, 26780318). For these reasons, this variant has been classified as Pathogenic. ClinVar contains an entry for this variant (Variation ID: 1396459). This variant has not been reported in the literature in individuals affected with ABCA4-related conditions. This variant is not present in population databases (gnomAD no frequency).

Literature cited by the submitters: PubMed 10958761; PubMed 24938718; PubMed 25312043; PubMed 26780318.